The following is an entry in ClinVar:

ClinVar aggregate classification (germline): Uncertain significance (1 of 4 stars; one submission).

Conditions:
Epilepsy. Also called: Seizure disorder. Identifiers: MedGen C0014544, MeSH D004827, MONDO:0005027.

Allele frequency attached by ClinVar (database versions not stated): TOPMed below 0.00001.

Submission:

Labcorp Genetics (formerly Invitae), Labcorp
Classification: Uncertain significance for Epilepsy. Last evaluated: 2022-06-20. Review status: criteria provided, single submitter. Criteria: Invitae Variant Classification Sherloc (09022015). Collection method: clinical testing. Allele origin: germline.
Comment: This sequence change replaces leucine, which is neutral and non-polar, with phenylalanine, which is neutral and non-polar, at codon 566 of the PIGQ protein (p.Leu566Phe). This variant is not present in population databases (gnomAD no frequency). This variant has not been reported in the literature in individuals affected with PIGQ-related conditions. Algorithms developed to predict the effect of missense changes on protein structure and function (SIFT, PolyPhen-2, Align-GVGD) all suggest that this variant is likely to be tolerated. In summary, the available evidence is currently insufficient to determine the role of this variant in disease. Therefore, it has been classified as a Variant of Uncertain Significance.

NM_004204.5(PIGQ):c.1696C>T (p.Leu566Phe)

Gene: PIGQ (phosphatidylinositol glycan anchor biosynthesis class Q; plus strand). Cytogenetic location: 16p13.3.
Variant type: single nucleotide variant.
Coding change: c.1696C>T on transcript NM_004204.5 (MANE Select); coding-DNA position 1696, C replaced by T.
Protein change: p.Leu566Phe; replaces leucine 566 with phenylalanine.
Molecular consequence: missense variant.
Genome position (GRCh38, 1-based): chr16:582,985, C>T. VCF-style: chr16-582985-C-T. GRCh37 (hg19) VCF-style: chr16-632985-C-T.
Other names: c.1634C>T, p.Pro545Leu (NM_148920.4); short protein forms P545L, L566F.
Identifiers: ClinVar variation 1435969 (VCV001435969.5), dbSNP rs2035837258, ClinGen allele CA394061937.